The following is an entry in ClinVar:

ClinVar aggregate classification (germline): Uncertain significance (1 of 4 stars; one submission).

Submission:

Labcorp Genetics (formerly Invitae), Labcorp
Classification: Uncertain significance. Last evaluated: 2020-12-28. Review status: criteria provided, single submitter. Criteria: Invitae Variant Classification Sherloc (09022015). Collection method: clinical testing. Allele origin: germline.
Comment: In summary, the available evidence is currently insufficient to determine the role of this variant in disease. Therefore, it has been classified as a Variant of Uncertain Significance. Nucleotide substitutions within the consensus splice site are a relatively common cause of aberrant splicing (PMID: 17576681, 9536098). Algorithms developed to predict the effect of sequence changes on RNA splicing suggest that this variant may disrupt the consensus splice site, but this prediction has not been confirmed by published transcriptional studies. This variant has been observed in individual(s) with Stargardt disease (Invitae). This variant is not present in population databases (ExAC no frequency). This sequence change falls in intron 6 of the ABCA4 gene. It does not directly change the encoded amino acid sequence of the ABCA4 protein. It affects a nucleotide within the consensus splice site of the intron.

Literature cited by the submitters: PubMed 17576681; PubMed 9536098.

NM_000350.3(ABCA4):c.768+3A>T

Gene: ABCA4 (ATP binding cassette subfamily A member 4; minus strand). Cytogenetic location: 1p22.1.
Variant type: single nucleotide variant.
Coding change: c.768+3A>T on transcript NM_000350.3 (MANE Select); 3 bases into the intron after coding-DNA position 768, A replaced by T.
Molecular consequence: intron variant.
Genome position (GRCh38, 1-based): chr1:94,098,791, T>A on the plus strand (A>T on the coding strand, the complement: ABCA4 is on the minus strand). VCF-style: chr1-94098791-T-A. GRCh37 (hg19) VCF-style: chr1-94564347-T-A.
Identifiers: ClinVar variation 1513039 (VCV001513039.8), dbSNP rs2101135379, ClinGen allele CA2573132715.